The following is an entry in ClinVar:

NM_015331.3(NCSTN):c.52C>G (p.Leu18Val)

Gene: NCSTN (nicastrin; plus strand). Cytogenetic location: 1q23.2.
Variant type: single nucleotide variant.
Coding change: c.52C>G on transcript NM_015331.3 (MANE Select); coding-DNA position 52, C replaced by G.
Protein change: p.Leu18Val; replaces leucine 18 with valine.
Molecular consequence: missense variant. On other transcripts: 5 prime UTR variant (1).
Genome position (GRCh38, 1-based): chr1:160,343,448, C>G. VCF-style: chr1-160343448-C-G. GRCh37 (hg19) VCF-style: chr1-160313238-C-G.
Other names: c.-148C>G (NM_001290184.2); c.52C>G, p.Leu18Val (NM_001290186.2, NM_001349729.2); short protein forms L18V.
Identifiers: ClinVar variation 2912476 (VCV002912476.3), dbSNP rs376983649, ClinGen allele CA343274442.

ClinVar aggregate classification (germline): Uncertain significance (1 of 4 stars; one submission).

gnomAD v4.1: 20 of 1,611,854 alleles (0.0012%); highest among the groups gnomAD compares: Non-Finnish European, 0.0017%; no homozygotes.

Submission:

Labcorp Genetics (formerly Invitae), Labcorp
Classification: Uncertain significance. Last evaluated: 2024-10-22. Review status: criteria provided, single submitter. Criteria: Invitae Variant Classification Sherloc (09022015). Collection method: clinical testing. Allele origin: germline.
Comment: This sequence change replaces leucine, which is neutral and non-polar, with valine, which is neutral and non-polar, at codon 18 of the NCSTN protein (p.Leu18Val). This variant is present in population databases (no rsID available, gnomAD 0.0009%). This variant has not been reported in the literature in individuals affected with NCSTN-related conditions. An algorithm developed to predict the effect of missense changes on protein structure and function (PolyPhen-2) suggests that this variant is likely to be tolerated. In summary, the available evidence is currently insufficient to determine the role of this variant in disease. Therefore, it has been classified as a Variant of Uncertain Significance.